The following is an entry in ClinVar:

NM_181741.4(ORC4):c.623C>G (p.Ser208Ter)

Gene: ORC4 (origin recognition complex subunit 4; minus strand). Cytogenetic location: 2q23.1.
Variant type: single nucleotide variant.
Coding change: c.623C>G on transcript NM_181741.4 (MANE Select); coding-DNA position 623, C replaced by G.
Protein change: p.Ser208Ter; replaces serine 208 with a stop codon.
Molecular consequence: nonsense.
Genome position (GRCh38, 1-based): chr2:147,948,190, G>C on the plus strand (C>G on the coding strand, the complement: ORC4 is on the minus strand). VCF-style: chr2-147948190-G-C. GRCh37 (hg19) VCF-style: chr2-148705759-G-C.
Other names: c.623C>G, p.Ser208Ter (NM_001190879.3, NM_001374270.1, NM_002552.5 and 1 more transcripts); c.371C>G, p.Ser124Ter (NM_001190881.3, NM_001374272.1); c.401C>G, p.Ser134Ter (NM_001190882.3); short protein forms S124*, S134*, S208*.
Identifiers: ClinVar variation 1299638 (VCV001299638.2), dbSNP rs535159793, ClinGen allele CA1899546.
Genomic context (GRCh38, chr2:147,948,190, plus strand): 5'-TTAACATACTGTGGAAAACCAAATGAATTCATTAAGTGTATCTGCCGGTGAGAAAATCTT[G>C]ACTTCACTCTTTTTTCTAAGAGTTCCAAAATATCCTTAAAAACAAACAGAAATCTCTATA-3'

ClinVar aggregate classification (germline): Pathogenic/Likely pathogenic. Review status: criteria provided, multiple submitters, no conflicts (2 of 4 stars). 2 submissions from 2 submitters: Pathogenic (1); Likely pathogenic (1). Last evaluated 2021-10-01.

Conditions:
ORC4-related disorders.
Meier-Gorlin syndrome 2 (MGORS2). Identifiers: Orphanet 2554, MedGen C3151097, MONDO:0013428, OMIM 613800.

Allele frequency attached by ClinVar (database versions not stated): gnomAD exomes below 0.00001 and 0.00001; ExAC 0.00001; gnomAD 0.00001; TOPMed 0.00001; 1000 Genomes Project 30x 0.00016; 1000 Genomes Project 0.00020.
gnomAD v4.1: 6 of 1,609,238 alleles (0.00037%); highest among the groups gnomAD compares: Non-Finnish European, 0.00042%; no homozygotes.

Submissions (2):

Laboratory of Medical Genetics, National & Kapodistrian University of Athens
Classification: Pathogenic for Meier-Gorlin syndrome 2. Last evaluated: 2021-10-01. Review status: criteria provided, single submitter. Criteria: ACMG Guidelines, 2015. Collection method: clinical testing. Allele origin: paternal. Affected: yes.
Comment: PVS1, PM2, PP3

Blueprint Genetics
Classification: Likely pathogenic for ORC4-related disorders. Last evaluated: 2020-01-29. Review status: criteria provided, single submitter. Criteria: ACMG Guidelines, 2015. Collection method: clinical testing. Allele origin: germline. Affected: yes. Observed: 1 variant allele.

Literature cited by the submitters: PubMed 34008892 (cited by Laboratory of Medical Genetics, National & Kapodistrian University of Athens).